The following is an entry in ClinVar:

ClinVar aggregate classification (germline): Likely pathogenic (1 of 4 stars; one submission).

Submission:

Labcorp Genetics (formerly Invitae), Labcorp
Classification: Likely pathogenic. Last evaluated: 2024-10-24. Review status: criteria provided, single submitter. Criteria: Invitae Variant Classification Sherloc (09022015). Collection method: clinical testing. Allele origin: germline.
Comment: This sequence change affects a donor splice site in intron 9 of the CENPF gene. It is expected to disrupt RNA splicing. Variants that disrupt the donor or acceptor splice site typically lead to a loss of protein function (PMID: 16199547), and loss-of-function variants in CENPF are known to be pathogenic (PMID: 25564561, 26820108). This variant is not present in population databases (gnomAD no frequency). Disruption of this splice site has been observed in individual(s) with CENPF-related conditions (PMID: 34853893). Algorithms developed to predict the effect of sequence changes on RNA splicing suggest that this variant may disrupt the consensus splice site. In summary, the currently available evidence indicates that the variant is pathogenic, but additional data are needed to prove that conclusively. Therefore, this variant has been classified as Likely Pathogenic.

Literature cited by the submitters: PubMed 16199547; PubMed 25564561; PubMed 26820108; PubMed 34853893.

NM_016343.4(CENPF):c.1323+1G>C

Gene: CENPF (centromere protein F; plus strand). Cytogenetic location: 1q41.
Variant type: single nucleotide variant.
Coding change: c.1323+1G>C on transcript NM_016343.4 (MANE Select); the canonical splice donor site of the intron after coding-DNA position 1323, G replaced by C.
Molecular consequence: splice donor variant.
Genome position (GRCh38, 1-based): chr1:214,630,663, G>C. VCF-style: chr1-214630663-G-C. GRCh37 (hg19) VCF-style: chr1-214804006-G-C.
Identifiers: ClinVar variation 2773189 (VCV002773189.3), dbSNP rs1657782821, ClinGen allele CA344814823.
Genomic context (GRCh38, chr1:214,630,663, plus strand): 5'-ACCCAGGAGTTACAGCAAGCCAAGAATATGCACAACGTCCTGCAGGCTGAACTGGATAAA[G>C]TAGGGGCCGTGTCTCTCTCTCTCTCCTTAATCATCCCCTCTTGTTCCTTGTACTTGTTAC-3'